The following is an entry in ClinVar:

ClinVar aggregate classification (germline): Pathogenic. Review status: criteria provided, multiple submitters, no conflicts (2 of 4 stars). 2 submissions from 2 submitters: Pathogenic (2). Last evaluated 2022-05-31.

Conditions:
CHM-related disorders.

Submissions (2):

Labcorp Genetics (formerly Invitae), Labcorp
Classification: Pathogenic. Last evaluated: 2022-05-31. Review status: criteria provided, single submitter. Criteria: Invitae Variant Classification Sherloc (09022015). Collection method: clinical testing. Allele origin: germline.
Comment: This variant is not present in population databases (gnomAD no frequency). This sequence change affects an acceptor splice site in intron 4 of the CHM gene. It is expected to disrupt RNA splicing. Variants that disrupt the donor or acceptor splice site typically lead to a loss of protein function (PMID: 16199547), and loss-of-function variants in CHM are known to be pathogenic (PMID: 9067750, 23811034). Disruption of this splice site has been observed in individual(s) with choroideremia and/or clinical features of CHM-related conditions (PMID: 30029497, 31922496). Algorithms developed to predict the effect of sequence changes on RNA splicing suggest that this variant may disrupt the consensus splice site. For these reasons, this variant has been classified as Pathogenic.

Blueprint Genetics
Classification: Pathogenic for CHM-related disorders. Last evaluated: 2022-01-28. Review status: criteria provided, single submitter. Criteria: ACMG Guidelines, 2015. Collection method: clinical testing. Allele origin: germline. Affected: yes. Observed: 1 variant allele.

Literature cited by the submitters: PubMed 16199547 (cited by Labcorp Genetics (formerly Invitae), Labcorp); PubMed 9067750 (cited by Labcorp Genetics (formerly Invitae), Labcorp); PubMed 23811034 (cited by Labcorp Genetics (formerly Invitae), Labcorp); PubMed 30029497 (cited by Labcorp Genetics (formerly Invitae), Labcorp); PubMed 31922496 (cited by Labcorp Genetics (formerly Invitae), Labcorp).

NM_000390.4(CHM):c.315-1G>C

Genes: CHM (CHM Rab escort protein; minus strand), LOC129391306 (MPRA-validated peak7401 silencer; plus strand). Cytogenetic location: Xq21.2.
Variant type: single nucleotide variant.
Coding change: c.315-1G>C on transcript NM_000390.4 (MANE Select); the canonical splice acceptor site of the intron before coding-DNA position 315, G replaced by C.
Molecular consequence: splice acceptor variant. On other transcripts: intron variant (2).
Genome position (GRCh38, 1-based): chrX:85,964,053, C>G on the plus strand (G>C on the coding strand, the complement: CHM is on the minus strand). VCF-style: chrX-85964053-C-G. GRCh37 (hg19) VCF-style: chrX-85219058-C-G.
Other names: c.-126-5G>C (NM_001362519.1, NM_001362518.2); c.-130-1G>C (NM_001362517.1, NM_001320959.1).
Identifiers: ClinVar variation 2152348 (VCV002152348.5), dbSNP rs2520273829, ClinGen allele CA413787462.
Genomic context (GRCh38, chrX:85,964,053, plus strand): 5'-ACAAGAGCATGATTTTTCTGCAGTGCACCAGCTTCTTCGACATCTTCATGCAAATCCTGA[C>G]TAATAAGAAATATAATAATAAACACCAGGCTTTATATATATATTCCCTTACCCCTTTTAT-3'